The following is an entry in ClinVar:

ClinVar aggregate classification (germline): Pathogenic (1 of 4 stars; one submission).

Submission:

CeGaT Center for Human Genetics Tuebingen
Classification: Pathogenic. Last evaluated: 2024-02-01. Review status: criteria provided, single submitter. Criteria: CeGaT Center For Human Genetics Tuebingen Variant Classification Criteria Version 2. Collection method: clinical testing. Allele origin: germline. Affected: yes. Observed: 1 variant allele.
Comment: ALMS1: PVS1, PM2, PM3:Supporting

NM_001378454.1(ALMS1):c.7641_7644dup (p.Gly2549fs)

Gene: ALMS1 (ALMS1 centrosome and basal body associated protein; plus strand). Cytogenetic location: 2p13.1.
Variant type: Duplication.
Coding change: c.7641_7644dup on transcript NM_001378454.1 (MANE Select); coding-DNA positions 7641 to 7644, 4 bases duplicated (ATTT; older notation c.7641_7644dupATTT).
Protein change: p.Gly2549fs; shifts the reading frame from glycine 2549.
Molecular consequence: frameshift variant.
Genome position (GRCh38, 1-based): chr2:73,455,262-73,455,265, ATTT duplicated; duplicating any 4 consecutive bases within chr2:73,455,260-73,455,265 gives the same sequence; the c. name uses the placement nearest the transcript's 3' end. VCF-style (leftmost placement, unchanged base first): chr2-73455259-G-GTTAT. GRCh37 (hg19) VCF-style: chr2-73682386-G-GTTAT.
Other names: c.7644_7647dup, p.Gly2550fs (NM_015120.4); short protein forms G2549fs, G2550fs.
Identifiers: ClinVar variation 3027270 (VCV003027270.23), dbSNP rs2466115813, ClinGen allele CA2740095622.
Genomic context (GRCh38, chr2:73,455,259, plus strand): 5'-ATACTCCATTTCAGAATTAAATGAAGATGACAGGAGGAAAGTAGAAGAGATCAAGGCAGA[G>GTTAT]TTATTTGGTCATGGAAGAACAACTGACTTGTCCAAGGTATAAAAGAAATCTGGAAATGAA-3'